The following is an entry in ClinVar:

NM_014874.4(MFN2):c.*730C>T

Gene: MFN2 (mitofusin 2; plus strand). Cytogenetic location: 1p36.22.
Variant type: single nucleotide variant.
Coding change: c.*730C>T on transcript NM_014874.4 (MANE Select); 730 bases downstream of the stop codon, C replaced by T.
Molecular consequence: 3 prime UTR variant.
Genome position (GRCh38, 1-based): chr1:12,012,295, C>T. VCF-style: chr1-12012295-C-T. GRCh37 (hg19) VCF-style: chr1-12072352-C-T.
Other names: c.*730C>T (NM_001127660.2).
Identifiers: ClinVar variation 292389 (VCV000292389.5), dbSNP rs112550280, ClinGen allele CA10607737.

ClinVar aggregate classification (germline): Benign. Review status: criteria provided, single submitter (1 of 4 stars). 2 submissions from 1 submitter: Benign (2). Last evaluated 2018-01-12.

Conditions:
Charcot-Marie-Tooth disease type 2. Also called: Charcot-Marie-Tooth type 2. Identifiers: Orphanet 64746, MedGen C0270914, MONDO:0018993.
Hereditary motor and sensory neuropathy with optic atrophy. Also called: PERIPHERAL NEUROPATHY AND OPTIC ATROPHY; CHARCOT-MARIE-TOOTH DISEASE, TYPE 6. Identifiers: Orphanet 90120, MedGen C0393807, MONDO:0019551.

Allele frequency attached by ClinVar (database versions not stated): 1000 Genomes Project 0.02157; 1000 Genomes Project 30x 0.02233; gnomAD exomes 0.00039; gnomAD 0.02030 and 0.02163; TOPMed 0.02235.
gnomAD v4.1: 3,061 of 154,786 alleles (2%); highest among the groups gnomAD compares: African/African-American, 6.9%; 111 homozygotes.

Submissions (2):

Illumina Laboratory Services, Illumina
Classification: Benign for Charcot-Marie-Tooth disease, type 2. Last evaluated: 2018-01-12. Review status: criteria provided, single submitter. Criteria: ICSL Variant Classification Criteria 13 December 2019. Collection method: clinical testing. Allele origin: germline.
Comment: This variant was observed in the ICSL laboratory as part of a predisposition screen in an ostensibly healthy population. It had not been previously curated by ICSL or reported in the Human Gene Mutation Database (HGMD: prior to June 1st, 2018), and was therefore a candidate for classification through an automated scoring system. Utilizing variant allele frequency, disease prevalence and penetrance estimates, and inheritance mode, an automated score was calculated to assess if this variant is too frequent to cause the disease. Based on the score and internal cut-off values, a variant classified as benign is not then subjected to further curation. The score for this variant resulted in a classification of benign for this disease.

Illumina Laboratory Services, Illumina
Classification: Benign for Neuropathy, hereditary motor and sensory, type 6A. Last evaluated: 2018-01-12. Review status: criteria provided, single submitter. Criteria: ICSL Variant Classification Criteria 13 December 2019. Collection method: clinical testing. Allele origin: germline.
Comment: the same text as in the submission from Illumina Laboratory Services, Illumina above.